The following is an entry in ClinVar:

NM_000059.4(BRCA2):c.7985dup (p.Glu2663fs)

Gene: BRCA2 (BRCA2 DNA repair associated; plus strand). Cytogenetic location: 13q13.1.
Variant type: Duplication.
Coding change: c.7985dup on transcript NM_000059.4 (MANE Select); coding-DNA position 7985, one base duplicated (C; older notation c.7985dupC).
Protein change: p.Glu2663fs; shifts the reading frame from glutamic acid 2663.
Molecular consequence: frameshift variant.
Genome position (GRCh38, 1-based): chr13:32,363,187, C duplicated. VCF-style (leftmost placement, unchanged base first): chr13-32363186-A-AC. GRCh37 (hg19) VCF-style: chr13-32937323-A-AC.
Other names: c.7985dupC (NM_000059.3); short protein forms E2663fs.
Identifiers: ClinVar variation 481613 (VCV000481613.12), dbSNP rs1555286933, ClinGen allele CA658656343.
Genomic context (GRCh38, chr13:32,363,186, plus strand): 5'-TGGAATTCTAGAGTCACACTTCCTAAAATATGCATTTTTGTTTTCACTTTTAGATATGAT[A>AC]CGGAAATTGATAGAAGCAGAAGATCGGCTATAAAAAAGATAATGGAAAGGGATGACACAG-3'

ClinVar aggregate classification (germline): Pathogenic/Likely pathogenic. Review status: criteria provided, multiple submitters, no conflicts (2 of 4 stars). 3 submissions from 3 submitters: Pathogenic (2); Likely pathogenic (1). Last evaluated 2023-01-20.

Conditions:
Hereditary breast ovarian cancer syndrome. Also called: Hereditary breast and ovarian cancer syndrome; Hereditary breast and ovarian cancer; Hereditary breast and ovarian cancer syndrome (HBOC); Breast and ovarian cancer; Hereditary breast and/or ovarian cancer syndrome; BRCA1- and BRCA2-Associated Hereditary Breast and Ovarian Cancer. Identifiers: Orphanet 145, MedGen C0677776, MeSH D061325, MONDO:0003582. Disease mechanism: loss of function.
Hereditary cancer-predisposing syndrome. Also called: Neoplastic Syndromes, Hereditary; Tumor predisposition; Hereditary Cancer Syndrome; Hereditary neoplastic syndrome. Identifiers: Orphanet 140162, MedGen C0027672, MeSH D009386, MONDO:0015356.

Submissions (3):

Labcorp Genetics (formerly Invitae), Labcorp
Classification: Pathogenic for Hereditary breast ovarian cancer syndrome. Last evaluated: 2023-01-20. Review status: criteria provided, single submitter. Criteria: Invitae Variant Classification Sherloc (09022015). Collection method: clinical testing. Allele origin: germline.
Comment: For these reasons, this variant has been classified as Pathogenic. ClinVar contains an entry for this variant (Variation ID: 481613). This variant has not been reported in the literature in individuals affected with BRCA2-related conditions. This variant is not present in population databases (gnomAD no frequency). This sequence change creates a premature translational stop signal (p.Glu2663Glyfs*3) in the BRCA2 gene. It is expected to result in an absent or disrupted protein product. Loss-of-function variants in BRCA2 are known to be pathogenic (PMID: 20104584).

Quest Diagnostics Nichols Institute San Juan Capistrano
Classification: Likely pathogenic. Last evaluated: 2021-04-30. Review status: criteria provided, single submitter. Criteria: Quest Diagnostics criteria. Collection method: clinical testing. Allele origin: unknown.
Comment: This frameshift variant is predicted to cause the premature termination of BRCA2 protein synthesis. To the best of our knowledge, the variant has not been reported in the published literature. This variant has not been reported in large, multi-ethnic general populations. Based on the available information, this variant is classified as likely pathogenic.

Ambry Genetics
Classification: Pathogenic for Hereditary cancer-predisposing syndrome. Last evaluated: 2017-07-30. Review status: criteria provided, single submitter. Criteria: Ambry Variant Classification Scheme 2023. Collection method: clinical testing. Allele origin: germline.
Comment: The c.7985dupC pathogenic mutation, located in coding exon 17 of the BRCA2 gene, results from a duplication of C at nucleotide position 7985, causing a translational frameshift with a predicted alternate stop codon (p.E2663Gfs*3). This alteration is expected to result in loss of function by premature protein truncation or nonsense-mediated mRNA decay. As such, this alteration is interpreted as a disease-causing mutation.

Literature cited by the submitters: PubMed 20104584 (cited by Labcorp Genetics (formerly Invitae), Labcorp).